The following is an entry in ClinVar:

ClinVar aggregate classification (germline): Conflicting classifications of pathogenicity. Review status: criteria provided, conflicting classifications (1 of 4 stars). 5 submissions from 5 submitters: Likely pathogenic (1); Uncertain significance (1); Benign (2). 1 of the submissions does not count toward it. Last evaluated 2026-01-08.

Conditions:
MAP3K1-related disorder. Also called: MAP3K1-related condition.
46,XY sex reversal 6. Also called: 46,XY GONADAL DYSGENESIS, PARTIAL OR COMPLETE, MAP3K1-RELATED; 46,XY SEX REVERSAL, PARTIAL OR COMPLETE, MAP3K1-RELATED. Identifiers: MedGen C3151064, MONDO:0013410, OMIM 613762.

Allele frequency attached by ClinVar (database versions not stated): gnomAD 0.00001 and 0.00015; TOPMed 0.00004; gnomAD exomes 0.00024 and 0.00054; ExAC 0.00070; 1000 Genomes Project 30x 0.00125; 1000 Genomes Project 0.00140.
gnomAD v4.1: 385 of 1,613,766 alleles (0.024%); highest among the groups gnomAD compares: South Asian, 0.4%; 6 homozygotes.

Submissions (5):

Labcorp Genetics (formerly Invitae), Labcorp
Classification: Benign for 46,XY sex reversal 6. Last evaluated: 2026-01-08. Review status: criteria provided, single submitter. Criteria: Invitae Variant Classification Sherloc (09022015). Collection method: clinical testing. Allele origin: germline.

Mendelics
Classification: Benign. Last evaluated: 2022-05-04. Review status: criteria provided, single submitter. Criteria: Mendelics Assertion Criteria 2019. Collection method: clinical testing. Allele origin: germline.

Diagnostics Services (NGS), CSIR - Centre For Cellular And Molecular Biology
Classification: Uncertain significance for 46,XY sex reversal 6. Last evaluated: 2021-07-05. Review status: criteria provided, single submitter. Criteria: ACMG Guidelines, 2015. Collection method: clinical testing. Allele origin: unknown. Inheritance: Autosomal dominant inheritance. Affected: yes. Observed: 1 variant allele, 1 heterozygote.
Comment: The c.770C>T variant is not present in publicly available population database like Exome Variant Server (EVS). The variant is present in 1000 Genomes, Exome Aggregation Consortium (ExAC), Genome Aggregation Database (gnomAD) and dbSNP including homozygotes. The heterozygous state of the variant is present in Indian Exome Database and in our in-house exome database at a low frequency. The variant was earlier reported to ClinVar, as likely pathogenic in similarly affected individuals [PMID: 11242112]. Predictions from different in-silico pathogenicity prediction programs like SIFT, PolyPhen-3, MutationTaster2, CADD, Varsome etc. are contradictory, however these predictions were not proved by established functional studies. Due to lack of enough evidence the variant has been calssified as uncertain significance.

UCLA Clinical Genomics Center, UCLA
Classification: Likely pathogenic for 46,XY sex reversal, type 6. Last evaluated: 2013-05-14. Review status: criteria provided, single submitter. Criteria: Lee et al. (JAMA. 2014). Collection method: clinical testing. Allele origin: unknown. Inheritance: Autosomal dominant inheritance. Affected: yes. Study: CES.

PreventionGenetics, part of Exact Sciences
Classification: Uncertain significance for MAP3K1-related condition. Last evaluated: 2024-03-26. Review status: no assertion criteria provided. Collection method: clinical testing. Allele origin: germline. Not counted in ClinVar's aggregate classification.
Comment: The MAP3K1 c.770C>T variant is predicted to result in the amino acid substitution p.Pro257Leu. This variant has been reported in an individual with 46,XY sex reversal (Baxter et al. 2015. PubMed ID: 25383892). This variant is reported at elevated frequencies (0.43% of alleles, including four homozygotes) in individuals of South Asian descent in gnomAD but is rare in other defined subpopulations. Although we suspect that this variant may be benign, the clinical significance of this variant is classified as uncertain at this time due to insufficient functional and genetic evidence.

Literature cited by the submitters: PubMed 11242112 (cited by Diagnostics Services (NGS), CSIR - Centre For Cellular And Molecular Biology).

NM_005921.2(MAP3K1):c.770C>T (p.Pro257Leu)

Gene: MAP3K1 (mitogen-activated protein kinase kinase kinase 1; plus strand). Cytogenetic location: 5q11.2.
Variant type: single nucleotide variant.
Coding change: c.770C>T on transcript NM_005921.2 (MANE Select); coding-DNA position 770, C replaced by T.
Protein change: p.Pro257Leu; replaces proline 257 with leucine.
Molecular consequence: missense variant.
Genome position (GRCh38, 1-based): chr5:56,859,851, C>T. VCF-style: chr5-56859851-C-T. GRCh37 (hg19) VCF-style: chr5-56155678-C-T.
Other names: short protein forms P257L.
Identifiers: ClinVar variation 216959 (VCV000216959.12), dbSNP rs56160159, ClinGen allele CA210011.